The following is an entry in ClinVar:

ClinVar aggregate classification (germline): Likely benign (0 of 4 stars; one submission).

Conditions:
STXBP5-related disorder. Also called: STXBP5-related condition.

Allele frequency attached by ClinVar (database versions not stated): gnomAD exomes 0.00022; gnomAD 0.00024; TOPMed 0.00029; ExAC 0.00040; 1000 Genomes Project 30x 0.00078; 1000 Genomes Project 0.00080.
gnomAD v4.1: 366 of 1,609,994 alleles (0.023%); highest among the groups gnomAD compares: East Asian, 0.74%; 1 homozygote.

Submission:

PreventionGenetics, part of Exact Sciences
Classification: Likely benign for STXBP5-related condition. Last evaluated: 2019-06-24. Review status: no assertion criteria provided. Collection method: clinical testing. Allele origin: germline.
Comment: This variant is classified as likely benign based on ACMG/AMP sequence variant interpretation guidelines (Richards et al. 2015 PMID: 25741868, with internal and published modifications).

NM_001127715.4(STXBP5):c.693C>T (p.Asp231=)

Gene: STXBP5 (syntaxin binding protein 5; plus strand). Cytogenetic location: 6q24.3.
Variant type: single nucleotide variant.
Coding change: c.693C>T on transcript NM_001127715.4 (MANE Select); coding-DNA position 693, C replaced by T.
Protein change: p.Asp231=; no amino-acid change (aspartic acid 231 retained).
Molecular consequence: synonymous variant.
Genome position (GRCh38, 1-based): chr6:147,267,146, C>T. VCF-style: chr6-147267146-C-T. GRCh37 (hg19) VCF-style: chr6-147588282-C-T.
Other names: c.693C>T, p.Asp231= (NM_001394409.1, NM_139244.6).
Identifiers: ClinVar variation 3042400 (VCV003042400.2), dbSNP rs139727060, ClinGen allele CA4038808.